The following is an entry in ClinVar:

NM_004171.4(SLC1A2):c.1365A>G (p.Thr455=)

Gene: SLC1A2 (solute carrier family 1 member 2; minus strand). Cytogenetic location: 11p13.
Variant type: single nucleotide variant.
Coding change: c.1365A>G on transcript NM_004171.4 (MANE Select); coding-DNA position 1365, A replaced by G.
Protein change: p.Thr455=; no amino-acid change (threonine 455 retained).
Molecular consequence: synonymous variant.
Genome position (GRCh38, 1-based): chr11:35,280,923, T>C on the plus strand (A>G on the coding strand, the complement: SLC1A2 is on the minus strand). VCF-style: chr11-35280923-T-C. GRCh37 (hg19) VCF-style: chr11-35302470-T-C.
Other names: c.1365A>G (NM_004171.3); c.1338A>G, p.Thr446= (NM_001195728.3, NM_001252652.2).
Identifiers: ClinVar variation 1165250 (VCV001165250.12), dbSNP rs7102949, ClinGen allele CA5947094.

ClinVar aggregate classification (germline): Benign. Review status: criteria provided, multiple submitters, no conflicts (2 of 4 stars). 3 submissions from 3 submitters: Benign (2). 1 of the submissions does not count toward it. Last evaluated 2026-02-03.

Conditions:
SLC1A2-related disorder. Also called: SLC1A2-related condition.

Allele frequency attached by ClinVar (database versions not stated): gnomAD 0.05395 and 0.05747; ExAC 0.01800; TOPMed 0.05990; 1000 Genomes Project 30x 0.07167; gnomAD exomes 0.00568 and 0.01480; ESP Exome Variant Server 0.06238; 1000 Genomes Project 0.06749.
gnomAD v4.1: 16,959 of 1,613,326 alleles (1.1%); highest among the groups gnomAD compares: African/African-American, 19%; 1,383 homozygotes.

Submissions (3):

Labcorp Genetics (formerly Invitae), Labcorp
Classification: Benign. Last evaluated: 2026-02-03. Review status: criteria provided, single submitter. Criteria: Invitae Variant Classification Sherloc (09022015). Collection method: clinical testing. Allele origin: germline.

Breakthrough Genomics
Classification: Benign. Review status: criteria provided, single submitter. Criteria: ACMG Guidelines, 2015. Collection method: not provided. Allele origin: germline. Inheritance: Autosomal dominant inheritance. Affected: yes.

PreventionGenetics, part of Exact Sciences
Classification: Benign for SLC1A2-related condition. Last evaluated: 2019-07-01. Review status: no assertion criteria provided. Collection method: clinical testing. Allele origin: germline. Not counted in ClinVar's aggregate classification.
Comment: This variant is classified as benign based on ACMG/AMP sequence variant interpretation guidelines (Richards et al. 2015 PMID: 25741868, with internal and published modifications).